The following is an entry in ClinVar:

NM_001611.5(ACP5):c.829G>A (p.Gly277Ser)

Gene: ACP5 (acid phosphatase 5, tartrate resistant; minus strand). Cytogenetic location: 19p13.2.
Variant type: single nucleotide variant.
Coding change: c.829G>A on transcript NM_001611.5 (MANE Select); coding-DNA position 829, G replaced by A.
Protein change: p.Gly277Ser; replaces glycine 277 with serine.
Molecular consequence: missense variant.
Genome position (GRCh38, 1-based): chr19:11,575,159, C>T on the plus strand (G>A on the coding strand, the complement: ACP5 is on the minus strand). VCF-style: chr19-11575159-C-T. GRCh37 (hg19) VCF-style: chr19-11685974-C-T.
Other names: c.829G>A, p.Gly277Ser (NM_001111034.3, NM_001111035.3, NM_001111036.3 and 2 more transcripts); short protein forms G277S.
Identifiers: ClinVar variation 639798 (VCV000639798.15), dbSNP rs377528244, ClinGen allele CA9215307.
Genomic context (GRCh38, chr19:11,575,159, plus strand): 5'-TCTCCACATAGGCAAAGCCACCCAGTGAGTCTTCAGTCCCATAGTGGAAGCGCAGATAGC[C>T]GTTGGGGACCTTGCGCTGGTGCCGCTTTGAGGGGTCCATGAAATTCCCAGCCCCACTCAG-3'
Protein context (NP_001602.1, residues 267-287): SKRHQRKVPN[Gly277Ser]YLRFHYGTED

ClinVar aggregate classification (germline): Uncertain significance. Review status: criteria provided, multiple submitters, no conflicts (2 of 4 stars). 4 submissions from 4 submitters: Uncertain significance (4). Last evaluated 2025-04-01.

Conditions:
ACP5-related disorder. Also called: ACP5-related condition.
Spondyloenchondrodysplasia with immune dysregulation (SPENCDI). Also called: COMBINED IMMUNODEFICIENCY WITH AUTOIMMUNITY AND SPONDYLOMETAPHYSEAL DYSPLASIA; ROIFMAN IMMUNOSKELETAL SYNDROME; SPONDYLOENCHONDRODYSPLASIA WITH OR WITHOUT IMMUNE DYSREGULATION. Identifiers: Orphanet 1855, MedGen C1842763, MONDO:0011939, OMIM 607944.

Allele frequency attached by ClinVar (database versions not stated): ExAC 0.00003; gnomAD exomes 0.00004; TOPMed 0.00006; gnomAD 0.00007; ESP Exome Variant Server 0.00008.
gnomAD v4.1: 120 of 1,614,054 alleles (0.0074%); highest among the groups gnomAD compares: Admixed American, 0.01%; 1 homozygote.

Submissions (4):

CeGaT Center for Human Genetics Tuebingen
Classification: Uncertain significance. Last evaluated: 2025-04-01. Review status: criteria provided, single submitter. Criteria: CeGaT Center For Human Genetics Tuebingen Variant Classification Criteria Version 2. Collection method: clinical testing. Allele origin: germline. Affected: yes. Observed: 1 variant allele.

PreventionGenetics, part of Exact Sciences
Classification: Uncertain significance for ACP5-related condition. Last evaluated: 2025-03-10. Review status: criteria provided, single submitter. Criteria: ACMG Guidelines, 2015. Collection method: clinical testing. Allele origin: germline.
Comment: The ACP5 c.829G>A variant is predicted to result in the amino acid substitution p.Gly277Ser. To our knowledge, this variant has not been reported in the literature. This variant is reported in 0.0056% of alleles in individuals of Latino descent in gnomAD. At this time, the clinical significance of this variant is uncertain due to the absence of conclusive functional and genetic evidence.

Labcorp Genetics (formerly Invitae), Labcorp
Classification: Uncertain significance for Spondyloenchondrodysplasia with immune dysregulation. Last evaluated: 2022-08-09. Review status: criteria provided, single submitter. Criteria: Invitae Variant Classification Sherloc (09022015). Collection method: clinical testing. Allele origin: germline.
Comment: This sequence change replaces glycine, which is neutral and non-polar, with serine, which is neutral and polar, at codon 277 of the ACP5 protein (p.Gly277Ser). This variant is present in population databases (rs377528244, gnomAD 0.006%). This variant has not been reported in the literature in individuals affected with ACP5-related conditions. ClinVar contains an entry for this variant (Variation ID: 639798). Algorithms developed to predict the effect of missense changes on protein structure and function are either unavailable or do not agree on the potential impact of this missense change (SIFT: "Not Available"; PolyPhen-2: "Possibly Damaging"; Align-GVGD: "Not Available"). In summary, the available evidence is currently insufficient to determine the role of this variant in disease. Therefore, it has been classified as a Variant of Uncertain Significance.

Breakthrough Genomics
Classification: Uncertain significance. Review status: criteria provided, single submitter. Criteria: ACMG Guidelines, 2015. Collection method: not provided. Allele origin: germline. Inheritance: Autosomal recessive inheritance. Affected: yes.